The following is an entry in ClinVar:

ClinVar aggregate classification (germline): Uncertain significance. Review status: criteria provided, multiple submitters, no conflicts (2 of 4 stars). 2 submissions from 2 submitters: Uncertain significance (2). Last evaluated 2025-10-27.

Conditions:
POLD1-related polyposis and colorectal cancer syndrome (CRCS10). Also called: Colorectal cancer 10; COLORECTAL CANCER, SUSCEPTIBILITY TO, ON CHROMOSOME 19q; Colorectal cancer, susceptibility to, 10. Identifiers: Orphanet 220460, MedGen C2675481, MONDO:0012953, OMIM 612591.
Hereditary cancer-predisposing syndrome. Also called: Neoplastic Syndromes, Hereditary; Tumor predisposition; Hereditary Cancer Syndrome; Hereditary neoplastic syndrome. Identifiers: Orphanet 140162, MedGen C0027672, MeSH D009386, MONDO:0015356.

Submissions (2):

Ambry Genetics
Classification: Uncertain significance for Hereditary cancer-predisposing syndrome. Last evaluated: 2025-10-27. Review status: criteria provided, single submitter. Criteria: Ambry Variant Classification Scheme 2023. Collection method: clinical testing. Allele origin: germline.
Comment: The p.L974V variant (also known as c.2920C>G), located in coding exon 22 of the POLD1 gene, results from a C to G substitution at nucleotide position 2920. The leucine at codon 974 is replaced by valine, an amino acid with highly similar properties. This amino acid position is conserved. In addition, this alteration is predicted to be tolerated by in silico analysis. Since supporting evidence is limited at this time, the clinical significance of this alteration remains unclear.

Labcorp Genetics (formerly Invitae), Labcorp
Classification: Uncertain significance for POLD1-related polyposis and colorectal cancer syndrome. Last evaluated: 2021-03-29. Review status: criteria provided, single submitter. Criteria: Invitae Variant Classification Sherloc (09022015). Collection method: clinical testing. Allele origin: germline.
Comment: Algorithms developed to predict the effect of missense changes on protein structure and function are either unavailable or do not agree on the potential impact of this missense change (SIFT: "Deleterious"; PolyPhen-2: "Possibly Damaging"; Align-GVGD: "Class C0"). In summary, the available evidence is currently insufficient to determine the role of this variant in disease. Therefore, it has been classified as a Variant of Uncertain Significance. This sequence change replaces leucine with valine at codon 974 of the POLD1 protein (p.Leu974Val). The leucine residue is moderately conserved and there is a small physicochemical difference between leucine and valine. This variant is not present in population databases (ExAC no frequency). This variant has not been reported in the literature in individuals with POLD1-related conditions.

NM_002691.4(POLD1):c.2920C>G (p.Leu974Val)

Gene: POLD1 (DNA polymerase delta 1, catalytic subunit; plus strand). Cytogenetic location: 19q13.33.
Variant type: single nucleotide variant.
Coding change: c.2920C>G on transcript NM_002691.4 (MANE Select); coding-DNA position 2920, C replaced by G.
Protein change: p.Leu974Val; replaces leucine 974 with valine.
Molecular consequence: missense variant. On other transcripts: non-coding transcript variant (1).
Genome position (GRCh38, 1-based): chr19:50,416,495, C>G. VCF-style: chr19-50416495-C-G. GRCh37 (hg19) VCF-style: chr19-50919752-C-G.
Other names: c.2920C>G, p.Leu974Val (NM_001256849.1); c.2998C>G, p.Leu1000Val (NM_001308632.1); short protein forms L974V, L1000V.
Identifiers: ClinVar variation 1521193 (VCV001521193.11), dbSNP rs1057521278, ClinGen allele CA406986597.